The following is an entry in ClinVar:

ClinVar aggregate classification (germline): Uncertain significance (1 of 4 stars; one submission).

Submission:

Ambry Genetics
Classification: Uncertain significance. Last evaluated: 2025-02-15. Review status: criteria provided, single submitter. Criteria: Ambry Variant Classification Scheme 2023. Collection method: clinical testing. Allele origin: germline.
Comment: The p.I412V variant (also known as c.1234A>G), located in coding exon 4 of the TMPO gene, results from an A to G substitution at nucleotide position 1234. The isoleucine at codon 412 is replaced by valine, an amino acid with highly similar properties. This amino acid position is conserved. In addition, this alteration is predicted to be tolerated by in silico analysis. Based on the available evidence, the clinical significance of this variant remains unclear.

NM_001032283.3(TMPO):c.565+1653A>G

Gene: TMPO (thymopoietin; plus strand). Cytogenetic location: 12q23.1.
Variant type: single nucleotide variant.
Coding change: c.565+1653A>G on transcript NM_001032283.3 (MANE Select); 1653 bases into the intron after coding-DNA position 565, A replaced by G.
Molecular consequence: intron variant. On other transcripts: missense variant (1).
Genome position (GRCh38, 1-based): chr12:98,533,491, A>G. VCF-style: chr12-98533491-A-G. GRCh37 (hg19) VCF-style: chr12-98927269-A-G.
Other names: c.1234A>G, p.Ile412Val (NM_003276.2); c.565+1653A>G (NM_001307975.2, NM_001032284.3); short protein forms I412V.
Identifiers: ClinVar variation 3808582 (VCV003808582.1).